The following is an entry in ClinVar:

NC_000002.11:g.(98330458_98340478)_(98356324_?)dup

Gene: ZAP70 (zeta chain of T cell receptor associated protein kinase 70; plus strand). Cytogenetic location: 2q11.2.
Variant type: Duplication.
Identifiers: ClinVar variation 4688866 (VCV004688866.1).

ClinVar aggregate classification (germline): Uncertain significance (1 of 4 stars; one submission).

Submission:

Women's Health and Genetics/Laboratory Corporation of America, LabCorp
Classification: Uncertain significance. Last evaluated: 2025-12-23. Review status: criteria provided, single submitter. Criteria: LabCorp Variant Classification Summary - May 2015. Collection method: clinical testing. Allele origin: germline.
Comment: Variant summary: The variant involves the duplication of exons 3-14 in the ZAP70 gene. A presumed nomenclature of c.(-22+1_-21-1)_(*363_?)dup has been designated for the purposes of this classification. This duplication includes the entire coding sequence of the gene. It is predicted to duplicate a segment including the initiation codon, therefore its impact on the encoded protein is unknown. The variant was absent in 21694 control chromosomes. The available data on variant occurrences in the general population are insufficient to allow any conclusion about variant significance. To our knowledge, no occurrence of c.(-22+1_-21-1)_(*363_?)dup in individuals affected with ZAP70-related conditions and no experimental evidence demonstrating its impact on protein function have been reported. ClinVar contains an entry for this variant (Variation ID: 2423625). Based on the evidence outlined above, the variant was classified as uncertain significance.